The following is an entry in ClinVar:

ClinVar aggregate classification (germline): Uncertain significance (1 of 4 stars; one submission).

Allele frequency attached by ClinVar (database versions not stated): TOPMed 0.00003; gnomAD 0.00004; ExAC 0.00005.
gnomAD v4.1: 39 of 1,613,886 alleles (0.0024%); highest among the groups gnomAD compares: South Asian, 0.016%; no homozygotes.

Submission:

Labcorp Genetics (formerly Invitae), Labcorp
Classification: Uncertain significance. Last evaluated: 2022-05-24. Review status: criteria provided, single submitter. Criteria: Invitae Variant Classification Sherloc (09022015). Collection method: clinical testing. Allele origin: germline.
Comment: This sequence change replaces arginine, which is basic and polar, with histidine, which is basic and polar, at codon 939 of the LAMC3 protein (p.Arg939His). This variant is present in population databases (rs777019483, gnomAD 0.01%). This variant has not been reported in the literature in individuals affected with LAMC3-related conditions. Algorithms developed to predict the effect of missense changes on protein structure and function output the following: SIFT: "Deleterious"; PolyPhen-2: "Benign"; Align-GVGD: "Class C0". The histidine amino acid residue is found in multiple mammalian species, which suggests that this missense change does not adversely affect protein function. In summary, the available evidence is currently insufficient to determine the role of this variant in disease. Therefore, it has been classified as a Variant of Uncertain Significance.

NM_006059.4(LAMC3):c.2816G>A (p.Arg939His)

Gene: LAMC3 (laminin subunit gamma 3; plus strand). Cytogenetic location: 9q34.12.
Variant type: single nucleotide variant.
Coding change: c.2816G>A on transcript NM_006059.4 (MANE Select); coding-DNA position 2816, G replaced by A.
Protein change: p.Arg939His; replaces arginine 939 with histidine.
Molecular consequence: missense variant.
Genome position (GRCh38, 1-based): chr9:131,068,976, G>A. VCF-style: chr9-131068976-G-A. GRCh37 (hg19) VCF-style: chr9-133944363-G-A.
Other names: short protein forms R939H.
Identifiers: ClinVar variation 1933593 (VCV001933593.2), dbSNP rs777019483, ClinGen allele CA5287585.